The following is an entry in ClinVar:

ClinVar aggregate classification (germline): Uncertain significance. Review status: criteria provided, multiple submitters, no conflicts (2 of 4 stars). 2 submissions from 2 submitters: Uncertain significance (2). Last evaluated 2025-04-30.

Conditions:
Primary ciliary dyskinesia. Also called: Ciliary dyskinesia. Identifiers: Orphanet 244, MedGen C0008780, MONDO:0016575, HP:0012265.
Inborn genetic diseases. Identifiers: MedGen C0950123, MeSH D030342.

Allele frequency attached by ClinVar (database versions not stated): ExAC 0.00002; gnomAD exomes 0.00003; gnomAD 0.00004; ESP Exome Variant Server 0.00008; 1000 Genomes Project 30x 0.00016; 1000 Genomes Project 0.00020.
gnomAD v4.1: 54 of 1,614,154 alleles (0.0033%); highest among the groups gnomAD compares: East Asian, 0.027%; no homozygotes.

Submissions (2):

Ambry Genetics
Classification: Uncertain significance for Inborn genetic diseases. Last evaluated: 2025-04-30. Review status: criteria provided, single submitter. Criteria: Ambry Variant Classification Scheme 2023. Collection method: clinical testing. Allele origin: germline.

Labcorp Genetics (formerly Invitae), Labcorp
Classification: Uncertain significance for Primary ciliary dyskinesia. Last evaluated: 2022-05-16. Review status: criteria provided, single submitter. Criteria: Invitae Variant Classification Sherloc (09022015). Collection method: clinical testing. Allele origin: germline.
Comment: This sequence change replaces alanine, which is neutral and non-polar, with threonine, which is neutral and polar, at codon 218 of the RSPH1 protein (p.Ala218Thr). This variant is present in population databases (rs375794854, gnomAD 0.05%). This variant has not been reported in the literature in individuals affected with RSPH1-related conditions. Algorithms developed to predict the effect of missense changes on protein structure and function (SIFT, PolyPhen-2, Align-GVGD) all suggest that this variant is likely to be tolerated. In summary, the available evidence is currently insufficient to determine the role of this variant in disease. Therefore, it has been classified as a Variant of Uncertain Significance.

NM_080860.4(RSPH1):c.652G>A (p.Ala218Thr)

Gene: RSPH1 (radial spoke head component 1; minus strand). Cytogenetic location: 21q22.3.
Variant type: single nucleotide variant.
Coding change: c.652G>A on transcript NM_080860.4 (MANE Select); coding-DNA position 652, G replaced by A.
Protein change: p.Ala218Thr; replaces alanine 218 with threonine.
Molecular consequence: missense variant.
Genome position (GRCh38, 1-based): chr21:42,477,366, C>T on the plus strand (G>A on the coding strand, the complement: RSPH1 is on the minus strand). VCF-style: chr21-42477366-C-T. GRCh37 (hg19) VCF-style: chr21-43897476-C-T.
Other names: c.652G>A (NM_080860.2); c.538G>A, p.Ala180Thr (NM_001286506.2); short protein forms A218T, A180T.
Identifiers: ClinVar variation 2188376 (VCV002188376.2), dbSNP rs375794854, ClinGen allele CA10043850.
Genomic context (GRCh38, chr21:42,477,366, plus strand): 5'-CGTCTTGGCCAGGTCCATCCGTAGAGGTCGGCTTTTTGGGGAGAGTTGGTGTCCACAGGG[C>T]CAATTCAGTGATTTGGGTAGCTTTCCATTTTGGAACAACAGTTACTAATTCTTCCTCCTC-3'
Protein context (NP_543136.1, residues 208-228): KWKATQITEL[Ala218Thr]LWTPTLPKKP